The following is an entry in ClinVar:

NM_001113378.2(FANCI):c.3673_3679dup (p.Gly1227fs)

Gene: FANCI (FA complementation group I; plus strand). Cytogenetic location: 15q26.1.
Variant type: Duplication.
Coding change: c.3673_3679dup on transcript NM_001113378.2 (MANE Select); coding-DNA positions 3673 to 3679, 7 bases duplicated (TATACGG; older notation c.3673_3679dupTATACGG).
Protein change: p.Gly1227fs; shifts the reading frame from glycine 1227.
Molecular consequence: frameshift variant.
Genome position (GRCh38, 1-based): chr15:89,312,925-89,312,931, TATACGG duplicated. VCF-style (leftmost placement, unchanged base first): chr15-89312924-C-CTATACGG. GRCh37 (hg19) VCF-style: chr15-89856155-C-CTATACGG.
Other names: c.3394_3400dup, p.Gly1134fs (NM_001376910.1); c.3673_3679dup, p.Gly1227fs (NM_001376911.1); c.3493_3499dup, p.Gly1167fs (NM_018193.3); short protein forms G1227fs, G1167fs, G1134fs.
Identifiers: ClinVar variation 2797853 (VCV002797853.3), dbSNP rs2508878334, ClinGen allele CA2575828596.
Genomic context (GRCh38, chr15:89,312,924, plus strand): 5'-AAATCATCAGGAATAAGAGAATGTGTTTCTATTTCTTTAGAATAAGAGTAAGAGCCTGAA[C>CTATACGG]TATACGGGAGAGAAAAAGGAGAAACCTGCTGCCGTTGCCACAGCCATGGTAAGCTGCTGA-3'

ClinVar aggregate classification (germline): Pathogenic (1 of 4 stars; one submission).

Conditions:
Fanconi anemia (FA). Also called: Fanconi's anemia. Identifiers: Orphanet 84, MedGen C0015625, MeSH D005199, MONDO:0019391.

Submission:

Labcorp Genetics (formerly Invitae), Labcorp
Classification: Pathogenic for Fanconi anemia. Last evaluated: 2023-10-17. Review status: criteria provided, single submitter. Criteria: Invitae Variant Classification Sherloc (09022015). Collection method: clinical testing. Allele origin: germline.
Comment: This sequence change creates a premature translational stop signal (p.Gly1227Valfs*28) in the FANCI gene. It is expected to result in an absent or disrupted protein product. Loss-of-function variants in FANCI are known to be pathogenic (PMID: 17452773, 17460694). This variant is not present in population databases (gnomAD no frequency). This variant has not been reported in the literature in individuals affected with FANCI-related conditions. For these reasons, this variant has been classified as Pathogenic.

Literature cited by the submitters: PubMed 17452773; PubMed 17460694.